The following is an entry in ClinVar:

NM_001035.3(RYR2):c.2920A>T (p.Ser974Cys)

Gene: RYR2 (ryanodine receptor 2; plus strand). Cytogenetic location: 1q43.
Variant type: single nucleotide variant.
Coding change: c.2920A>T on transcript NM_001035.3 (MANE Select); coding-DNA position 2920, A replaced by T.
Protein change: p.Ser974Cys; replaces serine 974 with cysteine.
Molecular consequence: missense variant.
Genome position (GRCh38, 1-based): chr1:237,548,444, A>T. VCF-style: chr1-237548444-A-T. GRCh37 (hg19) VCF-style: chr1-237711744-A-T.
Other names: short protein forms S974C.
Identifiers: ClinVar variation 924906 (VCV000924906.5), dbSNP rs1670045546, ClinGen allele CA345393444.

ClinVar aggregate classification (germline): Uncertain significance (1 of 4 stars; one submission).

Conditions:
Cardiomyopathy (CMYO). Also called: Cardiomyopathies. Identifiers: Orphanet 167848, MedGen C0878544, MONDO:0004994, HP:0001638. Inheritance: Various modes of inheritance.

Allele frequency attached by ClinVar (database versions not stated): gnomAD exomes below 0.00001.
gnomAD v4.1: 1 of 1,613,836 alleles (0.000062%); highest among the groups gnomAD compares: Non-Finnish European, 0.000085%; no homozygotes.

Submission:

Color Diagnostics, LLC DBA Color Health
Classification: Uncertain significance for Cardiomyopathy. Last evaluated: 2023-12-05. Review status: criteria provided, single submitter. Criteria: ACMG Guidelines, 2015. Collection method: clinical testing. Allele origin: germline.
Comment: Variant of Uncertain Significance due to insufficient evidence: This missense variant is located in the cytoplasmic domain of the RYR2 protein. Computational prediction tools and conservation analyses suggest that this variant may have deleterious impact on the protein function. Computational splicing tools suggest that this variant may not impact RNA splicing. To our knowledge, functional assays have not been performed for this variant nor has this variant been reported in individuals affected with cardiovascular disorders in the literature. This variant is rare in the general population and has been identified in 0/277264 chromosomes by the Genome Aggregation Database (gnomAD). Available evidence is insufficient to determine the role of this variant in disease conclusively.